The following is an entry in ClinVar:

NM_003628.6(PKP4):c.932G>A (p.Arg311Lys)

Gene: PKP4 (plakophilin 4; plus strand). Cytogenetic location: 2q24.1.
Variant type: single nucleotide variant.
Coding change: c.932G>A on transcript NM_003628.6 (MANE Select); coding-DNA position 932, G replaced by A.
Protein change: p.Arg311Lys; replaces arginine 311 with lysine.
Molecular consequence: missense variant. On other transcripts: 5 prime UTR variant (1).
Genome position (GRCh38, 1-based): chr2:158,625,206, G>A. VCF-style: chr2-158625206-G-A. GRCh37 (hg19) VCF-style: chr2-159481718-G-A.
Other names: c.932G>A, p.Arg311Lys (NM_001304969.3, NM_001304971.2, NM_001377218.1 and 6 more transcripts); c.-95G>A (NM_001304970.3); c.926G>A, p.Arg309Lys (NM_001377222.1, NM_001377223.1, NM_001377224.1); short protein forms R309K, R311K.
Identifiers: ClinVar variation 2448037 (VCV002448037.2), dbSNP rs2529604154, ClinGen allele CA348906446.

ClinVar aggregate classification (germline): Uncertain significance (1 of 4 stars; one submission).

Submission:

Ambry Genetics
Classification: Uncertain significance. Last evaluated: 2023-03-07. Review status: criteria provided, single submitter. Criteria: Ambry Variant Classification Scheme 2023. Collection method: clinical testing. Allele origin: germline.
Comment: The p.R311K variant (also known as c.932G>A), located in coding exon 6 of the PKP4 gene, results from a G to A substitution at nucleotide position 932. The arginine at codon 311 is replaced by lysine, an amino acid with highly similar properties. This amino acid position is conserved. In addition, the in silico prediction for this alteration is inconclusive. Since supporting evidence is limited at this time, the clinical significance of this alteration remains unclear.